The following is an entry in ClinVar:

ClinVar aggregate classification (germline): Uncertain significance (1 of 4 stars; one submission).

Conditions:
Bloom syndrome (BLM). Also called: Bloom-Torre-Machacek syndrome. Identifiers: Orphanet 125, MedGen C0005859, MONDO:0008876, OMIM 210900.

Allele frequency attached by ClinVar (database versions not stated): gnomAD 0.00001.
gnomAD v4.1: 1 of 1,612,498 alleles (0.000062%); highest among the groups gnomAD compares: Non-Finnish European, 0.000085%; no homozygotes.

Submission:

Labcorp Genetics (formerly Invitae), Labcorp
Classification: Uncertain significance for Bloom syndrome. Last evaluated: 2020-12-17. Review status: criteria provided, single submitter. Criteria: Invitae Variant Classification Sherloc (09022015). Collection method: clinical testing. Allele origin: germline.
Comment: This sequence change replaces leucine with phenylalanine at codon 776 of the BLM protein (p.Leu776Phe). The leucine residue is moderately conserved and there is a small physicochemical difference between leucine and phenylalanine. This variant is not present in population databases (ExAC no frequency). This variant has not been reported in the literature in individuals with BLM-related conditions. Algorithms developed to predict the effect of missense changes on protein structure and function are either unavailable or do not agree on the potential impact of this missense change (SIFT: "Tolerated"; PolyPhen-2: "Probably Damaging"; Align-GVGD: "Class C0"). In summary, the available evidence is currently insufficient to determine the role of this variant in disease. Therefore, it has been classified as a Variant of Uncertain Significance.

NM_000057.4(BLM):c.2326C>T (p.Leu776Phe)

Gene: BLM (BLM RecQ like helicase; plus strand). Cytogenetic location: 15q26.1.
Variant type: single nucleotide variant.
Coding change: c.2326C>T on transcript NM_000057.4 (MANE Select); coding-DNA position 2326, C replaced by T.
Protein change: p.Leu776Phe; replaces leucine 776 with phenylalanine.
Molecular consequence: missense variant.
Genome position (GRCh38, 1-based): chr15:90,769,151, C>T. VCF-style: chr15-90769151-C-T. GRCh37 (hg19) VCF-style: chr15-91312381-C-T.
Other names: c.2326C>T, p.Leu776Phe (NM_001287246.2, NM_001287247.2); c.1201C>T, p.Leu401Phe (NM_001287248.2); short protein forms L776F, L401F.
Identifiers: ClinVar variation 1479045 (VCV001479045.8), dbSNP rs1483824560, ClinGen allele CA393845064.
Genomic context (GRCh38, chr15:90,769,151, plus strand): 5'-GTGTTTCAGTGTTTTTACATGTCTAATGTATTTCTGGCCTAGATCTGTGCAAGTAACAGA[C>T]TCATTTCTACTCTGGAGAATCTCTATGAGAGGAAGCTCTTGGCACGTTTTGTTATTGATG-3'
Protein context (NP_000048.1, residues 766-786): TPEKICASNR[Leu776Phe]ISTLENLYER